The following is an entry in ClinVar:

NM_003024.3(ITSN1):c.4790G>A (p.Arg1597Lys)

Genes: ITSN1 (intersectin 1; plus strand), LOC126653350 (BRD4-independent group 4 enhancer GRCh37_chr21:35257366-35258565; plus strand). Cytogenetic location: 21q22.11.
Variant type: single nucleotide variant.
Coding change: c.4790G>A on transcript NM_003024.3 (MANE Select); coding-DNA position 4790, G replaced by A.
Protein change: p.Arg1597Lys; replaces arginine 1597 with lysine.
Molecular consequence: missense variant.
Genome position (GRCh38, 1-based): chr21:33,885,469, G>A. VCF-style: chr21-33885469-G-A. GRCh37 (hg19) VCF-style: chr21-35257773-G-A.
Other names: c.4775G>A, p.Arg1592Lys (NM_001331010.2); short protein forms R1592K, R1597K.
Identifiers: ClinVar variation 3901602 (VCV003901602.1).
Genomic context (GRCh38, chr21:33,885,469, plus strand): 5'-AAGCATTTTGTGTTTTTCCTGCCGTCATAGTCCGTTCCCAAAGGGCAACAGGCATTGGAA[G>A]GTTGATGGTGAACGTGGTTGAAGGCATCGAGTTGAAACCCTGTCGGTCACATGGTAAGGC-3'
Protein context (NP_003015.2, residues 1587-1607): VRSQRATGIG[Arg1597Lys]LMVNVVEGIE

ClinVar aggregate classification (germline): Uncertain significance (1 of 4 stars; one submission).

Submission:

GeneDx
Classification: Uncertain significance. Last evaluated: 2024-12-02. Review status: criteria provided, single submitter. Criteria: GeneDx Variant Classification Process June 2021. Collection method: clinical testing. Allele origin: germline. Affected: yes.
Comment: Not observed at significant frequency in large population cohorts (gnomAD); In silico analysis supports that this missense variant has a deleterious effect on protein structure/function; Has not been previously published as pathogenic or benign to our knowledge